The following is an entry in ClinVar:

ClinVar aggregate classification (germline): Uncertain significance (1 of 4 stars; one submission).

Conditions:
ERBIN-related disorder. Also called: ERBIN-related condition.

gnomAD v4.1: 33 of 1,531,950 alleles (0.0022%); highest among the groups gnomAD compares: Admixed American, 0.02%; no homozygotes.

Submission:

PreventionGenetics, part of Exact Sciences
Classification: Uncertain significance for ERBIN-related condition. Last evaluated: 2025-04-12. Review status: criteria provided, single submitter. Criteria: ACMG Guidelines, 2015. Collection method: clinical testing. Allele origin: germline.
Comment: The ERBIN c.3775C>T variant is predicted to result in premature protein termination (p.Arg1259*). This variant corresponds to a deep intronic position in an alternate transcript for this gene (NM_001253697:c.3634-3151C>T). To our knowledge, this variant has not been reported in the literature. This variant is reported in 0.012% of alleles in individuals of Ashkenazi Jewish descent in gnomAD. At this time, the clinical significance of this variant is uncertain due to the absence of conclusive functional and genetic evidence.

NM_001253697.2(ERBIN):c.3634-3151C>T

Gene: ERBIN (erbb2 interacting protein; plus strand). Cytogenetic location: 5q12.3.
Variant type: single nucleotide variant.
Coding change: c.3634-3151C>T on transcript NM_001253697.2 (MANE Select); 3151 bases into the intron before coding-DNA position 3634, C replaced by T.
Molecular consequence: intron variant. On other transcripts: nonsense (1).
Genome position (GRCh38, 1-based): chr5:66,069,018, C>T. VCF-style: chr5-66069018-C-T. GRCh37 (hg19) VCF-style: chr5-65364846-C-T.
Other names: c.3775C>T, p.Arg1259Ter (NM_001253699.2); c.3634-6006C>T (NM_018695.4, NM_001253698.2); c.3634-7298C>T (NM_001006600.3); c.3622-6006C>T (NM_001253701.2); short protein forms R1259*.
Identifiers: ClinVar variation 4996363 (VCV004996363.1).